The following is an entry in ClinVar:

NM_000843.4(GRM6):c.1958G>T (p.Arg653Leu)

Genes: GRM6 (glutamate metabotropic receptor 6; minus strand), ZNF454 (zinc finger protein 454; plus strand). Cytogenetic location: 5q35.3.
Variant type: single nucleotide variant.
Coding change: c.1958G>T on transcript NM_000843.4 (MANE Select); coding-DNA position 1958, G replaced by T.
Protein change: p.Arg653Leu; replaces arginine 653 with leucine.
Molecular consequence: missense variant.
Genome position (GRCh38, 1-based): chr5:178,986,296, C>A on the plus strand (G>T on the coding strand, the complement: GRM6 is on the minus strand). VCF-style: chr5-178986296-C-A. GRCh37 (hg19) VCF-style: chr5-178413297-C-A.
Other names: short protein forms R653L.
Identifiers: ClinVar variation 1922418 (VCV001922418.5), dbSNP rs62638622, ClinGen allele CA3593875.

ClinVar aggregate classification (germline): Uncertain significance (1 of 4 stars; one submission).

gnomAD v4.1: 7 of 1,613,726 alleles (0.00043%); highest among the groups gnomAD compares: African/African-American, 0.0027%; no homozygotes.

Submission:

Labcorp Genetics (formerly Invitae), Labcorp
Classification: Uncertain significance. Last evaluated: 2025-04-21. Review status: criteria provided, single submitter. Criteria: Invitae Variant Classification Sherloc (09022015). Collection method: clinical testing. Allele origin: germline.
Comment: This sequence change replaces arginine, which is basic and polar, with leucine, which is neutral and non-polar, at codon 653 of the GRM6 protein (p.Arg653Leu). This variant is present in population databases (rs62638622, gnomAD 0.008%). This variant has not been reported in the literature in individuals affected with GRM6-related conditions. ClinVar contains an entry for this variant (Variation ID: 1922418). Invitae Evidence Modeling of protein sequence and biophysical properties (such as structural, functional, and spatial information, amino acid conservation, physicochemical variation, residue mobility, and thermodynamic stability) indicates that this missense variant is not expected to disrupt GRM6 protein function with a negative predictive value of 95%. In summary, the available evidence is currently insufficient to determine the role of this variant in disease. Therefore, it has been classified as a Variant of Uncertain Significance.